The following is an entry in ClinVar:

NM_020975.6(RET):c.2412G>A (p.Val804=)

Gene: RET (ret proto-oncogene; plus strand). Cytogenetic location: 10q11.21.
Variant type: single nucleotide variant.
Coding change: c.2412G>A on transcript NM_020975.6 (MANE Select); coding-DNA position 2412, G replaced by A.
Protein change: p.Val804=; no amino-acid change (valine 804 retained).
Molecular consequence: synonymous variant.
Genome position (GRCh38, 1-based): chr10:43,119,550, G>A. VCF-style: chr10-43119550-G-A. GRCh37 (hg19) VCF-style: chr10-43614998-G-A.
Other names: c.2412G>A, p.Val804= (NM_000323.2, NM_001406743.1, NM_001406744.1 and 4 more transcripts); c.1650G>A, p.Val550= (NM_001355216.2); c.2283G>A, p.Val761= (NM_001406761.1, NM_001406762.1, NM_001406764.1); c.2277G>A, p.Val759= (NM_001406763.1, NM_001406765.1); c.2124G>A, p.Val708= (NM_001406766.1, NM_001406767.1, NM_001406770.1); c.2148G>A, p.Val716= (NM_001406768.1); c.2016G>A, p.Val672= (NM_001406769.1, NM_001406772.1); c.1974G>A, p.Val658= (NM_001406771.1, NM_001406773.1); and 10 more.
Identifiers: ClinVar variation 1034965 (VCV001034965.10), dbSNP rs767045208, ClinGen allele CA039108.

ClinVar aggregate classification (germline): Conflicting classifications of pathogenicity. Review status: criteria provided, conflicting classifications (1 of 4 stars). 3 submissions from 3 submitters: Uncertain significance (1); Likely benign (2). Last evaluated 2024-12-18.

Conditions:
Hereditary cancer-predisposing syndrome. Also called: Hereditary neoplastic syndrome; Neoplastic Syndromes, Hereditary; Tumor predisposition; Hereditary Cancer Syndrome. Identifiers: Orphanet 140162, MedGen C0027672, MeSH D009386, MONDO:0015356.
Multiple endocrine neoplasia, type 2 (MEN2). Identifiers: Orphanet 653, MedGen C4048306, MONDO:0019003. Disease mechanism: gain of function.

Allele frequency attached by ClinVar (database versions not stated): ExAC below 0.00001; gnomAD 0.00001.

Submissions (3):

Labcorp Genetics (formerly Invitae), Labcorp
Classification: Likely benign for Multiple endocrine neoplasia, type 2. Last evaluated: 2024-12-18. Review status: criteria provided, single submitter. Criteria: Invitae Variant Classification Sherloc (09022015). Collection method: clinical testing. Allele origin: germline.

Sema4
Classification: Uncertain significance for Hereditary cancer-predisposing syndrome. Last evaluated: 2021-11-24. Review status: criteria provided, single submitter. Criteria: Sema4 Curation Guidelines. Collection method: curation. Allele origin: germline.
Comment: The RET c.2412G>A (p.V804=) variant has not been reported in the literature to our knowledge. It was observed in 2/119330 chromosomes of the Non-Finnish European subpopulation in the large and broad cohorts of the Genome Aggregation Database (PMID: 32461654). The variant has been reported in ClinVar (Variation ID: 1034965). Splice site prediction tools suggest the variant leads to the creation of a cryptic splice acceptor site, however these predictions have not been confirmed by transcriptional studies.The evidence is insufficient to meet ACMG/AMP criteria for classifying the variant as benign or pathogenic. Thus, the clinical significance of this variant is currently uncertain.

Ambry Genetics
Classification: Likely benign for Hereditary cancer-predisposing syndrome. Last evaluated: 2021-04-28. Review status: criteria provided, single submitter. Criteria: Ambry Variant Classification Scheme 2023. Collection method: clinical testing. Allele origin: germline.